The following is an entry in ClinVar:

ClinVar aggregate classification (germline): Benign/Likely benign. Review status: criteria provided, multiple submitters, no conflicts (2 of 4 stars). 14 submissions from 14 submitters: Benign (4); Likely benign (8). 2 of the submissions do not count toward it. Last evaluated 2026-01-31.

Conditions:
PMS2-related disorder. Also called: PMS2-related condition.
Hereditary nonpolyposis colorectal neoplasms. Identifiers: MedGen C0009405, MeSH D003123.
Hereditary cancer-predisposing syndrome. Also called: Tumor predisposition; Neoplastic Syndromes, Hereditary; Hereditary Cancer Syndrome; Hereditary neoplastic syndrome. Identifiers: Orphanet 140162, MedGen C0027672, MeSH D009386, MONDO:0015356.
Lynch syndrome. Identifiers: Orphanet 144, MedGen C4552100, MONDO:0005835. Disease mechanism: loss of function.
Lynch syndrome 4 (LYNCH4). Also called: Hereditary non-polyposis colorectal cancer, type 4; Colorectal cancer, hereditary nonpolyposis, type 4. Identifiers: Orphanet 144, MedGen C1838333, MONDO:0013699, OMIM 614337. Disease mechanism: loss of function.
Malignant tumor of breast. Also called: Malignant breast neoplasm; Cancer breast. Identifiers: MedGen C0006142, MONDO:0007254. Disease mechanism: loss of function.

Allele frequency attached by ClinVar (database versions not stated): gnomAD 0.00004 and 0.00006; TOPMed 0.00005; ExAC 0.00007; gnomAD exomes 0.00009; 1000 Genomes Project 30x 0.00016; 1000 Genomes Project 0.00020.
gnomAD v4.1: 87 of 1,613,502 alleles (0.0054%); highest among the groups gnomAD compares: South Asian, 0.043%; 1 homozygote.

Submissions (14):

Labcorp Genetics (formerly Invitae), Labcorp
Classification: Likely benign for Hereditary nonpolyposis colorectal neoplasms. Last evaluated: 2026-01-31. Review status: criteria provided, single submitter. Criteria: Invitae Variant Classification Sherloc (09022015). Collection method: clinical testing. Allele origin: germline.

CeGaT Center for Human Genetics Tuebingen
Classification: Likely benign. Last evaluated: 2025-07-01. Review status: criteria provided, single submitter. Criteria: CeGaT Center For Human Genetics Tuebingen Variant Classification Criteria Version 2. Collection method: clinical testing. Allele origin: germline. Affected: yes. Observed: 1 variant allele.
Comment: PMS2: BP4, BP7

Center for Genomic Medicine, Rigshospitalet, Copenhagen University Hospital
Classification: Likely benign. Last evaluated: 2025-03-04. Review status: criteria provided, single submitter. Criteria: ACMG Guidelines, 2015. Collection method: clinical testing. Allele origin: germline.

Myriad Genetics, Inc.
Classification: Benign for Lynch syndrome 4. Last evaluated: 2025-01-28. Review status: criteria provided, single submitter. Criteria: Myriad Autosomal Dominant, Autosomal Recessive and X-Linked Classification Criteria (2023). Collection method: clinical testing. Allele origin: unknown.
Comment: This variant is considered benign. This variant is a silent/synonymous amino acid change and it is not expected to impact splicing.

Blueprint Genetics
Classification: Likely benign. Last evaluated: 2024-11-25. Review status: criteria provided, single submitter. Criteria: ACMG Guidelines, 2015. Collection method: clinical testing. Allele origin: germline.

All of Us Research Program, National Institutes of Health
Classification: Likely benign for Lynch syndrome. Last evaluated: 2023-12-01. Review status: criteria provided, single submitter. Criteria: ACMG Guidelines, 2015. Collection method: clinical testing. Allele origin: germline. Inheritance: Autosomal dominant inheritance. Observed: 18 variant alleles, 18 heterozygotes.
Comment: This study involves interpretation of variants in research participants for the purpose of population health screening. Participant phenotype was not available at the time of variant classification. Additional details can be found in publication PMID: 35346344, PMCID: PMC8962531

Sema4
Classification: Likely benign for Hereditary cancer-predisposing syndrome. Last evaluated: 2021-11-22. Review status: criteria provided, single submitter. Criteria: Sema4 Curation Guidelines. Collection method: curation. Allele origin: germline.

Women's Health and Genetics/Laboratory Corporation of America, LabCorp
Classification: Benign. Last evaluated: 2021-07-26. Review status: criteria provided, single submitter. Criteria: LabCorp Variant Classification Summary - May 2015. Collection method: clinical testing. Allele origin: germline.

Quest Diagnostics Nichols Institute San Juan Capistrano
Classification: Benign. Last evaluated: 2019-09-18. Review status: criteria provided, single submitter. Criteria: Quest Diagnostics criteria. Collection method: clinical testing. Allele origin: unknown.

Color Diagnostics, LLC DBA Color Health
Classification: Likely benign for Hereditary cancer-predisposing syndrome. Last evaluated: 2015-11-30. Review status: criteria provided, single submitter. Criteria: ACMG Guidelines, 2015. Collection method: clinical testing. Allele origin: germline.

GeneDx
Classification: Benign. Last evaluated: 2015-07-21. Review status: criteria provided, single submitter. Criteria: GeneDx Variant Classification (06012015). Collection method: clinical testing. Allele origin: germline. Affected: yes.
Comment: This variant is considered likely benign or benign based on one or more of the following criteria: it is a conservative change, it occurs at a poorly conserved position in the protein, it is predicted to be benign by multiple in silico algorithms, and/or has population frequency not consistent with disease.

Ambry Genetics
Classification: Likely benign for Hereditary cancer-predisposing syndrome. Last evaluated: 2014-05-23. Review status: criteria provided, single submitter. Criteria: Ambry Variant Classification Scheme 2023. Collection method: clinical testing. Allele origin: germline.

PreventionGenetics, part of Exact Sciences
Classification: Likely benign for PMS2-related condition. Last evaluated: 2020-10-09. Review status: no assertion criteria provided. Collection method: clinical testing. Allele origin: germline. Not counted in ClinVar's aggregate classification.
Comment: This variant is classified as likely benign based on ACMG/AMP sequence variant interpretation guidelines (Richards et al. 2015 PMID: 25741868, with internal and published modifications).

Department of Pathology and Laboratory Medicine, Sinai Health System
Classification: Likely benign for Malignant tumor of breast. Review status: no assertion criteria provided. Collection method: clinical testing. Allele origin: unknown. Affected: yes. Study: The Canadian Open Genetics Repository (COGR). Not counted in ClinVar's aggregate classification.
Comment: The PMS2 p.Thr277= variant was not identified in the literature. The variant was identified in ClinVar (classified as likely benign by Invitae, Ambry Genetics, and Color; and as benign by GeneDx). The variant was identified in control databases in 22 of 246186 chromosomes at a frequency of 0.00009 (Genome Aggregation Database Feb 27, 2017). The variant was observed in the following populations: Other in 1 of 5484 chromosomes (freq: 0.0002), European Non-Finnish in 9 of 111646 chromosomes (freq: 0.00008), European Finnish in 1 of 22300 chromosomes (freq: 0.00005), and South Asian in 11 of 30782 chromosomes (freq: 0.0004), while it was not observed in the African, Latino, Ashkenazi Jewish, or East Asian populations. The p.Thr277= variant is not expected to have clinical significance because it does not result in a change of amino acid and is not located in a known consensus splice site. In addition, in silico or computational prediction software programs (SpliceSiteFinder, MaxEntScan, NNSPLICE, GeneSplicer) do not predict a difference in splicing. In summary, based on the above information, the clinical significance of this variant cannot be determined with certainty at this time although we would lean towards a more benign role for this variant. This variant is classified as likely benign.

NM_000535.7(PMS2):c.831G>A (p.Thr277=)

Gene: PMS2 (PMS1 homolog 2, mismatch repair system component; minus strand). Cytogenetic location: 7p22.1.
Variant type: single nucleotide variant.
Coding change: c.831G>A on transcript NM_000535.7 (MANE Select); coding-DNA position 831, G replaced by A.
Protein change: p.Thr277=; no amino-acid change (threonine 277 retained).
Molecular consequence: synonymous variant. On other transcripts: 5 prime UTR variant (2), non-coding transcript variant (1).
Genome position (GRCh38, 1-based): chr7:5,995,606, C>T on the plus strand (G>A on the coding strand, the complement: PMS2 is on the minus strand). VCF-style: chr7-5995606-C-T. GRCh37 (hg19) VCF-style: chr7-6035237-C-T.
Other names: c.426G>A, p.Thr142= (NM_001322003.2, NM_001322004.2, NM_001322005.2 and 2 more transcripts); c.831G>A, p.Thr277= (NM_001322006.2, NM_001322014.2); c.513G>A, p.Thr171= (NM_001322007.2, NM_001322008.2); c.-103G>A (NM_001322011.2, NM_001322012.2); c.258G>A, p.Thr86= (NM_001322013.2); c.522G>A, p.Thr174= (NM_001322015.2).
Identifiers: ClinVar variation 185282 (VCV000185282.42), dbSNP rs116481522, ClinGen allele CA012980.
Genomic context (GRCh38, chr7:5,995,606, plus strand): 5'-ACAAGGCCGCCGGTTGATAAAGAAAAACTGTCTGTCTGTTGAACTCCTTCCAACTCCATG[C>T]GTGCATTGTGAAATGAAACCTGAGATGCTATTCAACATTAATATGGTAAGGGCAGGATTC-3'
Protein context (NP_000526.2, residues 267-287): FYISGFISQC[Thr277=]HGVGRSSTDR